The following is an entry in ClinVar:

ClinVar aggregate classification (germline): Uncertain significance. Review status: criteria provided, multiple submitters, no conflicts (2 of 4 stars). 2 submissions from 2 submitters: Uncertain significance (2). Last evaluated 2024-08-15.

Conditions:
Ehlers-Danlos syndrome, classic type, 1 (EDSCL1). Also called: EHLERS-DANLOS SYNDROME, GRAVIS TYPE; EHLERS-DANLOS SYNDROME, SEVERE CLASSIC TYPE; Ehlers-Danlos Syndrome, Classic Type, COL5A1-Related; EDS I; Ehlers-Danlos syndrome, type 1. Identifiers: MedGen C0268335, MONDO:0019567, OMIM 130000.
Familial thoracic aortic aneurysm and aortic dissection (TAAD). Also called: Thoracic aortic aneurysms and dissections. Identifiers: Orphanet 91387, MedGen C4707243, MONDO:0019625.

Allele frequency attached by ClinVar (database versions not stated): TOPMed below 0.00001; gnomAD 0.00001; gnomAD exomes 0.00001.
gnomAD v4.1: 18 of 1,613,772 alleles (0.0011%); highest among the groups gnomAD compares: Non-Finnish European, 0.0013%; no homozygotes.

Submissions (2):

Labcorp Genetics (formerly Invitae), Labcorp
Classification: Uncertain significance for Ehlers-Danlos syndrome, classic type, 1. Last evaluated: 2024-08-15. Review status: criteria provided, single submitter. Criteria: Invitae Variant Classification Sherloc (09022015). Collection method: clinical testing. Allele origin: germline.
Comment: This sequence change replaces serine, which is neutral and polar, with asparagine, which is neutral and polar, at codon 1204 of the COL5A2 protein (p.Ser1204Asn). This variant is not present in population databases (gnomAD no frequency). This variant has not been reported in the literature in individuals affected with COL5A2-related conditions. ClinVar contains an entry for this variant (Variation ID: 408290). Invitae Evidence Modeling of protein sequence and biophysical properties (such as structural, functional, and spatial information, amino acid conservation, physicochemical variation, residue mobility, and thermodynamic stability) indicates that this missense variant is not expected to disrupt COL5A2 protein function with a negative predictive value of 80%. In summary, the available evidence is currently insufficient to determine the role of this variant in disease. Therefore, it has been classified as a Variant of Uncertain Significance.

Ambry Genetics
Classification: Uncertain significance for Familial thoracic aortic aneurysm and aortic dissection. Last evaluated: 2023-11-01. Review status: criteria provided, single submitter. Criteria: Ambry Variant Classification Scheme 2023. Collection method: clinical testing. Allele origin: germline.
Comment: The p.S1204N variant (also known as c.3611G>A), located in coding exon 50 of the COL5A2 gene, results from a G to A substitution at nucleotide position 3611. The serine at codon 1204 is replaced by asparagine, an amino acid with highly similar properties. This amino acid position is not well conserved in available vertebrate species. In addition, this alteration is predicted to be tolerated by in silico analysis. Since supporting evidence is limited at this time, the clinical significance of this alteration remains unclear.

NM_000393.5(COL5A2):c.3611G>A (p.Ser1204Asn)

Gene: COL5A2 (collagen type V alpha 2 chain; minus strand). Cytogenetic location: 2q32.2.
Variant type: single nucleotide variant.
Coding change: c.3611G>A on transcript NM_000393.5 (MANE Select); coding-DNA position 3611, G replaced by A.
Protein change: p.Ser1204Asn; replaces serine 1204 with asparagine.
Molecular consequence: missense variant.
Genome position (GRCh38, 1-based): chr2:189,041,608, C>T on the plus strand (G>A on the coding strand, the complement: COL5A2 is on the minus strand). VCF-style: chr2-189041608-C-T. GRCh37 (hg19) VCF-style: chr2-189906334-C-T.
Other names: short protein forms S1204N.
Identifiers: ClinVar variation 408290 (VCV000408290.10), dbSNP rs1060501907, ClinGen allele CA16610646.
Genomic context (GRCh38, chr2:189,041,608, plus strand): 5'-AAATAGCATTTCTTGCATGTAAACCTTTGTGACTTTACCTCAGGTCCTGCTTCTCCTACA[C>T]TGCCTCGTACACCTGGAGGTCCAATTGGCCCAAGTGGCCCAGGGTTTCCTTCTTTACCTG-3'
Protein context (NP_000384.2, residues 1194-1214): GPIGPPGVRG[Ser1204Asn]VGEAGPEGPP